The following is an entry in ClinVar:

NM_004463.3(FGD1):c.2773T>G (p.Phe925Val)

Genes: FGD1 (FYVE, RhoGEF and PH domain containing 1; minus strand), TSR2 (TSR2 ribosome maturation factor; plus strand). Cytogenetic location: Xp11.22.
Variant type: single nucleotide variant.
Coding change: c.2773T>G on transcript NM_004463.3 (MANE Select); coding-DNA position 2773, T replaced by G.
Protein change: p.Phe925Val; replaces phenylalanine 925 with valine.
Molecular consequence: missense variant. On other transcripts: 3 prime UTR variant (5).
Genome position (GRCh38, 1-based): chrX:54,446,222, A>C on the plus strand (T>G on the coding strand, the complement: FGD1 is on the minus strand). VCF-style: chrX-54446222-A-C. GRCh37 (hg19) VCF-style: chrX-54472655-A-C.
Other names: c.*1672A>C (NM_001346789.2, NM_001346790.2, NM_001346791.2 and 2 more transcripts); short protein forms F925V.
Identifiers: ClinVar variation 2660662 (VCV002660662.26), dbSNP rs1922168917, ClinGen allele CA413357915.

ClinVar aggregate classification (germline): Uncertain significance. Review status: criteria provided, multiple submitters, no conflicts (2 of 4 stars). 2 submissions from 2 submitters: Uncertain significance (2). Last evaluated 2025-10-01.

Allele frequency attached by ClinVar (database versions not stated): gnomAD exomes below 0.00001; TOPMed 0.00002.
gnomAD v4.1: 3 of 1,211,960 alleles (0.00025%); highest among the groups gnomAD compares: Middle Eastern, 0.023%; no homozygotes.

Submissions (2):

CeGaT Center for Human Genetics Tuebingen
Classification: Uncertain significance. Last evaluated: 2025-10-01. Review status: criteria provided, single submitter. Criteria: CeGaT Center For Human Genetics Tuebingen Variant Classification Criteria Version 2. Collection method: clinical testing. Allele origin: germline. Affected: yes. Observed: 2 variant alleles.
Comment: FGD1: PM2:Supporting, PP2

Labcorp Genetics (formerly Invitae), Labcorp
Classification: Uncertain significance. Last evaluated: 2024-06-12. Review status: criteria provided, single submitter. Criteria: Invitae Variant Classification Sherloc (09022015). Collection method: clinical testing. Allele origin: germline.
Comment: This sequence change replaces phenylalanine, which is neutral and non-polar, with valine, which is neutral and non-polar, at codon 925 of the FGD1 protein (p.Phe925Val). This variant is not present in population databases (gnomAD no frequency). This variant has not been reported in the literature in individuals affected with FGD1-related conditions. ClinVar contains an entry for this variant (Variation ID: 2660662). Advanced modeling of protein sequence and biophysical properties (such as structural, functional, and spatial information, amino acid conservation, physicochemical variation, residue mobility, and thermodynamic stability) performed at Invitae indicates that this missense variant is expected to disrupt FGD1 protein function with a positive predictive value of 80%. In summary, the available evidence is currently insufficient to determine the role of this variant in disease. Therefore, it has been classified as a Variant of Uncertain Significance.